The following is an entry in ClinVar:

ClinVar aggregate classification (germline): Likely benign. Review status: criteria provided, single submitter (1 of 4 stars). 2 submissions from 2 submitters: Likely benign (1). 1 of the submissions does not count toward it. Last evaluated 2023-12-01.

Conditions:
NTNG1-related disorder. Also called: NTNG1-related condition.

Allele frequency attached by ClinVar (database versions not stated): gnomAD 0.00042; TOPMed 0.00042; gnomAD exomes 0.00046; ExAC 0.00055; ESP Exome Variant Server 0.00068.
gnomAD v4.1: 746 of 1,613,204 alleles (0.046%); highest among the groups gnomAD compares: Middle Eastern, 1.3%; 4 homozygotes.

Submissions (2):

CeGaT Center for Human Genetics Tuebingen
Classification: Likely benign. Last evaluated: 2023-12-01. Review status: criteria provided, single submitter. Criteria: CeGaT Center For Human Genetics Tuebingen Variant Classification Criteria Version 2. Collection method: clinical testing. Allele origin: germline. Affected: yes. Observed: 1 variant allele.
Comment: NTNG1: BP4, BP7

PreventionGenetics, part of Exact Sciences
Classification: Likely benign for NTNG1-related condition. Last evaluated: 2019-10-31. Review status: no assertion criteria provided. Collection method: clinical testing. Allele origin: germline. Not counted in ClinVar's aggregate classification.
Comment: This variant is classified as likely benign based on ACMG/AMP sequence variant interpretation guidelines (Richards et al. 2015 PMID: 25741868, with internal and published modifications).

NM_001113226.3(NTNG1):c.1224T>C (p.Ser408=)

Gene: NTNG1 (netrin G1; plus strand). Cytogenetic location: 1p13.3.
Variant type: single nucleotide variant.
Coding change: c.1224T>C on transcript NM_001113226.3 (MANE Select); coding-DNA position 1224, T replaced by C.
Protein change: p.Ser408=; no amino-acid change (serine 408 retained).
Molecular consequence: synonymous variant. On other transcripts: intron variant (8).
Genome position (GRCh38, 1-based): chr1:107,430,886, T>C. VCF-style: chr1-107430886-T-C. GRCh37 (hg19) VCF-style: chr1-107973508-T-C.
Other names: c.1224T>C (NM_001113226.2); c.1224T>C, p.Ser408= (NM_001372167.1, NM_001372170.1); c.1154-5779T>C (NM_001312688.2); c.1087+23178T>C (NM_014917.4, NM_001372168.1, NM_001372171.1); c.1213+9743T>C (NM_001372169.1, NM_001113228.3); c.1153+12241T>C (NM_001330665.2); c.1088-5779T>C (NM_001372166.1).
Identifiers: ClinVar variation 3024814 (VCV003024814.23), dbSNP rs199902525, ClinGen allele CA977822.